The following is an entry in ClinVar:

ClinVar aggregate classification (germline): Uncertain significance (1 of 4 stars; one submission).

Conditions:
Primary ciliary dyskinesia. Also called: Ciliary dyskinesia. Identifiers: Orphanet 244, MedGen C0008780, MONDO:0016575, HP:0012265.

Submission:

Labcorp Genetics (formerly Invitae), Labcorp
Classification: Uncertain significance for Primary ciliary dyskinesia. Last evaluated: 2015-01-10. Review status: criteria provided, single submitter. Criteria: Invitae Variant Classification Sherloc (09022015). Collection method: clinical testing. Allele origin: germline.
Comment: This sequence change replaces alanine with threonine at codon 598 of the DNAH5 protein (p.Ala598Thr). The alanine residue is weakly conserved and there is a small physicochemical difference between alanine and threonine. This variant has not been published in the literature and is not present in population databases. Algorithms developed to predict the effect of missense changes on protein structure and function (SIFT, PolyPhen-2, Align-GVGD) all suggest that this variant is likely to be tolerated, but these predictions have not been confirmed by published functional studies. The threonine amino acid residue is found in multiple mammalian species, suggesting that this missense change does not adversely affect protein function. In summary, this is a novel missense change that is not predicted to affect protein function or cause disease. However the evidence is insufficient at this time to prove that conclusively. It has been classified as a Variant of Uncertain Significance.

NM_001369.3(DNAH5):c.1792G>A (p.Ala598Thr)

Gene: DNAH5 (dynein axonemal heavy chain 5; minus strand). Cytogenetic location: 5p15.2.
Variant type: single nucleotide variant.
Coding change: c.1792G>A on transcript NM_001369.3 (MANE Select); coding-DNA position 1792, G replaced by A.
Protein change: p.Ala598Thr; replaces alanine 598 with threonine.
Molecular consequence: missense variant.
Genome position (GRCh38, 1-based): chr5:13,901,512, C>T on the plus strand (G>A on the coding strand, the complement: DNAH5 is on the minus strand). VCF-style: chr5-13901512-C-T. GRCh37 (hg19) VCF-style: chr5-13901621-C-T.
Other names: short protein forms A598T.
Identifiers: ClinVar variation 216543 (VCV000216543.1), dbSNP rs863224706, ClinGen allele CA339510.